The following is an entry in ClinVar:

ClinVar aggregate classification (germline): Likely pathogenic (1 of 4 stars; one submission).

Submission:

GeneDx
Classification: Likely pathogenic. Last evaluated: 2022-03-25. Review status: criteria provided, single submitter. Criteria: GeneDx Variant Classification Process June 2021. Collection method: clinical testing. Allele origin: germline. Affected: yes.
Comment: Not observed at significant frequency in large population cohorts (gnomAD); In silico analysis supports that this missense variant has a deleterious effect on protein structure/function; Has not been previously published as pathogenic or benign to our knowledge; This variant is associated with the following publications: (PMID: 26125038, 21820098, 21376300)

NM_001244008.2(KIF1A):c.440T>G (p.Met147Arg)

Gene: KIF1A (kinesin family member 1A; minus strand). Cytogenetic location: 2q37.3.
Variant type: single nucleotide variant.
Coding change: c.440T>G on transcript NM_001244008.2 (MANE Select); coding-DNA position 440, T replaced by G.
Protein change: p.Met147Arg; replaces methionine 147 with arginine.
Molecular consequence: missense variant.
Genome position (GRCh38, 1-based): chr2:240,786,503, A>C on the plus strand (T>G on the coding strand, the complement: KIF1A is on the minus strand). VCF-style: chr2-240786503-A-C. GRCh37 (hg19) VCF-style: chr2-241725920-A-C.
Other names: c.440T>G, p.Met147Arg (NM_001320705.2, NM_001330289.2, NM_001330290.2 and 20 more transcripts); short protein forms M147R.
Identifiers: ClinVar variation 1696931 (VCV001696931.2), dbSNP rs1369791205, ClinGen allele CA351307180.